The following is an entry in ClinVar:

ClinVar aggregate classification (germline): Pathogenic (1 of 4 stars; one submission).

Conditions:
Developmental and epileptic encephalopathy, 53. Also called: Epileptic encephalopathy, early infantile, 53. Identifiers: MedGen C4479313, MONDO:0033362, OMIM 617389.
Early-onset Parkinson disease 20. Also called: PARKINSON DISEASE 20, AUTOSOMAL RECESSIVE EARLY-ONSET. Identifiers: Orphanet 391411, MedGen C3809824, MONDO:0014233, OMIM 615530.

gnomAD v4.1: 1 of 1,613,528 alleles (0.000062%); highest among the groups gnomAD compares: Non-Finnish European, 0.000085%; no homozygotes.

Submission:

Labcorp Genetics (formerly Invitae), Labcorp
Classification: Pathogenic for Developmental and epileptic encephalopathy, 53; Early-onset Parkinson disease 20. Last evaluated: 2025-02-15. Review status: criteria provided, single submitter. Criteria: Invitae Variant Classification Sherloc (09022015). Collection method: clinical testing. Allele origin: germline.
Comment: This sequence change creates a premature translational stop signal (p.Arg419*) in the SYNJ1 gene. It is expected to result in an absent or disrupted protein product. Loss-of-function variants in SYNJ1 are known to be pathogenic (PMID: 25316601, 27435091). This variant is not present in population databases (gnomAD no frequency). This variant has not been reported in the literature in individuals affected with SYNJ1-related conditions. Algorithms developed to predict the effect of sequence changes on RNA splicing suggest that this variant may disrupt the consensus splice site. For these reasons, this variant has been classified as Pathogenic.

Literature cited by the submitters: PubMed 25316601; PubMed 27435091.

NM_203446.3(SYNJ1):c.1138C>T (p.Arg380Ter)

Gene: SYNJ1 (synaptojanin 1; minus strand). Cytogenetic location: 21q22.11.
Variant type: single nucleotide variant.
Coding change: c.1138C>T on transcript NM_203446.3 (MANE Select); coding-DNA position 1138, C replaced by T.
Protein change: p.Arg380Ter; replaces arginine 380 with a stop codon.
Molecular consequence: nonsense.
Genome position (GRCh38, 1-based): chr21:32,684,100, G>A on the plus strand (C>T on the coding strand, the complement: SYNJ1 is on the minus strand). VCF-style: chr21-32684100-G-A. GRCh37 (hg19) VCF-style: chr21-34056410-G-A.
Other names: c.1138C>T, p.Arg380Ter (NM_001160302.2, NM_001160306.2); c.1255C>T, p.Arg419Ter (NM_003895.4); short protein forms R380*, R419*.
Identifiers: ClinVar variation 4791723 (VCV004791723.1).